The following is an entry in ClinVar:

NM_003200.5(TCF3):c.98_99delinsTT (p.Gly33Val)

Gene: TCF3 (transcription factor 3; minus strand). Cytogenetic location: 19p13.3.
Variant type: Indel.
Coding change: c.98_99delinsTT on transcript NM_003200.5 (MANE Select); coding-DNA positions 98 to 99, GG replaced by TT.
Protein change: p.Gly33Val; replaces glycine 33 with valine.
Molecular consequence: missense variant.
Genome position (GRCh38, 1-based): chr19:1,646,401-1,646,402, CC replaced by AA on the plus strand (GG replaced by TT on the coding strand, the reverse complement: TCF3 is on the minus strand). VCF-style: chr19-1646401-CC-AA. GRCh37 (hg19) VCF-style: chr19-1646400-CC-AA.
Other names: c.98_99delinsTT, p.Gly33Val (NM_001136139.4, NM_001351778.2, NM_001351779.2); short protein forms G33V.
Identifiers: ClinVar variation 3671803 (VCV003671803.3).

ClinVar aggregate classification (germline): Uncertain significance. Review status: criteria provided, multiple submitters, no conflicts (2 of 4 stars). 2 submissions from 2 submitters: Uncertain significance (2). Last evaluated 2024-02-09.

Submissions (2):

Labcorp Genetics (formerly Invitae), Labcorp
Classification: Uncertain significance. Last evaluated: 2024-02-09. Review status: criteria provided, single submitter. Criteria: Invitae Variant Classification Sherloc (09022015). Collection method: clinical testing. Allele origin: germline.
Comment: This sequence change replaces glycine, which is neutral and non-polar, with valine, which is neutral and non-polar, at codon 33 of the TCF3 protein (p.Gly33Val). Information on the frequency of this variant in the gnomAD database is not available, as this variant may be reported differently in the database. This variant has not been reported in the literature in individuals affected with TCF3-related conditions. An algorithm developed to predict the effect of missense changes on protein structure and function (PolyPhen-2) suggests that this variant is likely to be disruptive. In summary, the available evidence is currently insufficient to determine the role of this variant in disease. Therefore, it has been classified as a Variant of Uncertain Significance.

Blueprint Genetics
Classification: Uncertain significance. Last evaluated: 2021-07-15. Review status: criteria provided, single submitter. Criteria: ACMG Guidelines, 2015. Collection method: clinical testing. Allele origin: germline.